The following is an entry in ClinVar:

ClinVar aggregate classification (germline): Uncertain significance (1 of 4 stars; one submission).

Submission:

Labcorp Genetics (formerly Invitae), Labcorp
Classification: Uncertain significance. Last evaluated: 2023-02-09. Review status: criteria provided, single submitter. Criteria: Invitae Variant Classification Sherloc (09022015). Collection method: clinical testing. Allele origin: germline.
Comment: This sequence change replaces serine, which is neutral and polar, with asparagine, which is neutral and polar, at codon 102 of the BACH2 protein (p.Ser102Asn). This variant is not present in population databases (gnomAD no frequency). This variant has not been reported in the literature in individuals affected with BACH2-related conditions. Advanced modeling of protein sequence and biophysical properties (such as structural, functional, and spatial information, amino acid conservation, physicochemical variation, residue mobility, and thermodynamic stability) performed at Invitae indicates that this missense variant is not expected to disrupt BACH2 protein function. In summary, the available evidence is currently insufficient to determine the role of this variant in disease. Therefore, it has been classified as a Variant of Uncertain Significance.

NM_021813.4(BACH2):c.305G>A (p.Ser102Asn)

Gene: BACH2 (BACH transcriptional regulator 2; minus strand). Cytogenetic location: 6q15.
Variant type: single nucleotide variant.
Coding change: c.305G>A on transcript NM_021813.4 (MANE Select); coding-DNA position 305, G replaced by A.
Protein change: p.Ser102Asn; replaces serine 102 with asparagine.
Molecular consequence: missense variant.
Genome position (GRCh38, 1-based): chr6:89,951,801, C>T on the plus strand (G>A on the coding strand, the complement: BACH2 is on the minus strand). VCF-style: chr6-89951801-C-T. GRCh37 (hg19) VCF-style: chr6-90661520-C-T.
Other names: c.305G>A, p.Ser102Asn (NM_001170794.2); short protein forms S102N.
Identifiers: ClinVar variation 2984649 (VCV002984649.3), dbSNP rs2533568352, ClinGen allele CA365073326.
Genomic context (GRCh38, chr6:89,951,801, plus strand): 5'-TCCAGGTTGTGCATGCGCAGGAACTCAGCACAGCGGATGACCTCGCGGATGTTTTCTCTG[C>T]TGAGTAACAGCTTGGCAGTGTAGGCAAACTGTAACAGCGGCCCAAAGCCCCTGGCTGTGA-3'
Protein context (NP_068585.1, residues 92-112): QFAYTAKLLL[Ser102Asn]RENIREVIRC